The following is an entry in ClinVar:

NM_000760.4(CSF3R):c.843+2T>C

Gene: CSF3R (colony stimulating factor 3 receptor; minus strand). Cytogenetic location: 1p34.3.
Variant type: single nucleotide variant.
Coding change: c.843+2T>C on transcript NM_000760.4 (MANE Select); the canonical splice donor site of the intron after coding-DNA position 843, T replaced by C.
Molecular consequence: splice donor variant.
Genome position (GRCh38, 1-based): chr1:36,472,515, A>G on the plus strand (T>C on the coding strand, the complement: CSF3R is on the minus strand). VCF-style: chr1-36472515-A-G. GRCh37 (hg19) VCF-style: chr1-36938116-A-G.
Other names: c.843+2T>C (NM_156039.3, NM_172313.3).
Identifiers: ClinVar variation 1033125 (VCV001033125.2), dbSNP rs1650834071, ClinGen allele CA339422620.

ClinVar aggregate classification (germline): Pathogenic/Likely pathogenic. Review status: criteria provided, multiple submitters, no conflicts (2 of 4 stars). 2 submissions from 2 submitters: Pathogenic (1); Likely pathogenic (1). Last evaluated 2022-04-20.

Conditions:
Hereditary neutrophilia. Identifiers: Orphanet 279943, MedGen C0543669, MONDO:0008092, OMIM 162830.
Autosomal recessive severe congenital neutropenia due to CSF3R deficiency. Also called: Neutropenia, severe congenital, 7, autosomal recessive. Identifiers: Orphanet 420702, MedGen C4310764, MONDO:0014865, OMIM 617014.

Submissions (2):

Fulgent Genetics
Classification: Likely pathogenic for Hereditary neutrophilia; Autosomal recessive severe congenital neutropenia due to CSF3R deficiency. Last evaluated: 2022-04-20. Review status: criteria provided, single submitter. Criteria: ACMG Guidelines, 2015. Collection method: clinical testing. Allele origin: unknown.

Baylor Genetics
Classification: Pathogenic for Autosomal recessive severe congenital neutropenia due to CSF3R deficiency. Last evaluated: 2018-01-31. Review status: criteria provided, single submitter. Criteria: ACMG Guidelines, 2015. Collection method: clinical testing. Allele origin: maternal. Affected: yes.
Comment: This variant was determined to be pathogenic according to ACMG Guidelines, 2015 [PMID:25741868].